The following is an entry in ClinVar:

ClinVar aggregate classification (germline): Uncertain significance (0 of 4 stars; one submission).

Conditions:
Hereditary von Willebrand disease. Identifiers: Orphanet 903, MedGen C5703318, MONDO:0019565. Inheritance: Autosomal recessive or Autosomal dominant.

Allele frequency attached by ClinVar (database versions not stated): ExAC 0.00002; gnomAD 0.00004 and 0.00006; gnomAD exomes 0.00004; TOPMed 0.00006; 1000 Genomes Project 0.00020; 1000 Genomes Project 30x 0.00031.
gnomAD v4.1: 120 of 1,614,126 alleles (0.0074%); highest among the groups gnomAD compares: East Asian, 0.029%; no homozygotes.

Submission:

ISTH-SSC Genomics in Thrombosis and Hemostasis, KU Leuven, Center for Molecular and Vascular Biology
Classification: Uncertain significance for von Willebrand disorder. Review status: no assertion criteria provided. Collection method: clinical testing. Allele origin: unknown. Affected: yes.
Comment: Submitted to GoldVariant by Prof Kathleen Freson from Center for Molecular and Vascular Biology, Leuven, Belgium

NM_000552.5(VWF):c.2927G>A (p.Arg976His)

Gene: VWF (von Willebrand factor; minus strand). Cytogenetic location: 12p13.31.
Variant type: single nucleotide variant.
Coding change: c.2927G>A on transcript NM_000552.5 (MANE Select); coding-DNA position 2927, G replaced by A.
Protein change: p.Arg976His; replaces arginine 976 with histidine.
Molecular consequence: missense variant.
Genome position (GRCh38, 1-based): chr12:6,029,382, C>T on the plus strand (G>A on the coding strand, the complement: VWF is on the minus strand). VCF-style: chr12-6029382-C-T. GRCh37 (hg19) VCF-style: chr12-6138548-C-T.
Other names: short protein forms R976H.
Identifiers: ClinVar variation 1684475 (VCV001684475.1), dbSNP rs181452677, ClinGen allele CA6402906.
Genomic context (GRCh38, chr12:6,029,382, plus strand): 5'-GAAGCAAGAAAGCCACTGACCTGGTATGTCTGCTTCAGGACCACGGAGATGCTCAGGTGG[C>T]GGTCCCAGACCACGGAGAGGGCTTTGCCCAGCAGCAGAATGATGTACCGGCCAGACTCCA-3'
Protein context (NP_000543.3, residues 966-986): LGKALSVVWD[Arg976His]HLSISVVLKQ